The following is an entry in ClinVar:

ClinVar aggregate classification (germline): Conflicting classifications of pathogenicity. Review status: criteria provided, conflicting classifications (1 of 4 stars). 2 submissions from 2 submitters: Uncertain significance (1); Likely benign (1). Last evaluated 2025-08-10.

Conditions:
Hereditary cancer-predisposing syndrome. Also called: Hereditary Cancer Syndrome; Tumor predisposition; Hereditary neoplastic syndrome; Neoplastic Syndromes, Hereditary. Identifiers: Orphanet 140162, MedGen C0027672, MeSH D009386, MONDO:0015356.

Allele frequency attached by ClinVar (database versions not stated): ExAC 0.00001; gnomAD exomes 0.00001.
gnomAD v4.1: 3 of 1,610,774 alleles (0.00019%); highest among the groups gnomAD compares: Admixed American, 0.005%; no homozygotes.

Submissions (2):

Labcorp Genetics (formerly Invitae), Labcorp
Classification: Uncertain significance. Last evaluated: 2025-08-10. Review status: criteria provided, single submitter. Criteria: Invitae Variant Classification Sherloc (09022015). Collection method: clinical testing. Allele origin: germline.
Comment: This sequence change replaces threonine, which is neutral and polar, with serine, which is neutral and polar, at codon 42 of the CTNNA1 protein (p.Thr42Ser). This variant is present in population databases (rs764691345, gnomAD 0.009%). This variant has not been reported in the literature in individuals affected with CTNNA1-related conditions. ClinVar contains an entry for this variant (Variation ID: 1415324). Invitae Evidence Modeling of protein sequence and biophysical properties (such as structural, functional, and spatial information, amino acid conservation, physicochemical variation, residue mobility, and thermodynamic stability) indicates that this missense variant is not expected to disrupt CTNNA1 protein function with a negative predictive value of 80%. In summary, the available evidence is currently insufficient to determine the role of this variant in disease. Therefore, it has been classified as a Variant of Uncertain Significance.

Ambry Genetics
Classification: Likely benign for Hereditary cancer-predisposing syndrome. Last evaluated: 2024-08-20. Review status: criteria provided, single submitter. Criteria: Ambry Variant Classification Scheme 2023. Collection method: clinical testing. Allele origin: germline.

NM_001903.5(CTNNA1):c.125C>G (p.Thr42Ser)

Gene: CTNNA1 (catenin alpha 1; plus strand). Cytogenetic location: 5q31.2.
Variant type: single nucleotide variant.
Coding change: c.125C>G on transcript NM_001903.5 (MANE Select); coding-DNA position 125, C replaced by G.
Protein change: p.Thr42Ser; replaces threonine 42 with serine.
Molecular consequence: missense variant. On other transcripts: 5 prime UTR variant (1), intron variant (1).
Genome position (GRCh38, 1-based): chr5:138,783,196, C>G. VCF-style: chr5-138783196-C-G. GRCh37 (hg19) VCF-style: chr5-138118885-C-G.
Other names: c.125C>G, p.Thr42Ser (NM_001290307.3, NM_001323982.2, NM_001323983.1 and 3 more transcripts); c.-82C>G (NM_001290310.3); c.-9+1167C>G (NM_001290309.3); c.125C>G (NM_001903.2); short protein forms T42S.
Identifiers: ClinVar variation 1415324 (VCV001415324.7), dbSNP rs764691345, ClinGen allele CA3431363.